The following is an entry in ClinVar:

ClinVar aggregate classification (germline): Uncertain significance (1 of 4 stars; one submission).

Submission:

Quest Diagnostics Nichols Institute San Juan Capistrano
Classification: Uncertain significance. Last evaluated: 2024-05-03. Review status: criteria provided, single submitter. Criteria: Quest Diagnostics criteria. Collection method: clinical testing. Allele origin: unknown.
Comment: The PTCH1 c.294C>G (p.Cys98Trp) variant has not been reported in individuals with PTCH1-related conditions in the published literature. It also has not been reported in large, multi-ethnic general populations (Genome Aggregation Database). Analysis of this variant using bioinformatics tools for the prediction of the effect of amino acid changes on protein structure and function yielded predictions that this variant is benign. Based on the available information, we are unable to determine the clinical significance of this variant.

NM_000264.5(PTCH1):c.294C>G (p.Cys98Trp)

Gene: PTCH1 (patched 1; minus strand). Cytogenetic location: 9q22.32.
Variant type: single nucleotide variant.
Coding change: c.294C>G on transcript NM_000264.5 (MANE Select); coding-DNA position 294, C replaced by G.
Protein change: p.Cys98Trp; replaces cysteine 98 with tryptophan.
Molecular consequence: missense variant. On other transcripts: 5 prime UTR variant (4), non-coding transcript variant (1).
Genome position (GRCh38, 1-based): chr9:95,506,507, G>C on the plus strand (C>G on the coding strand, the complement: PTCH1 is on the minus strand). VCF-style: chr9-95506507-G-C. GRCh37 (hg19) VCF-style: chr9-98268789-G-C.
Other names: c.96C>G, p.Cys32Trp (NM_001083602.3, NM_001354919.2); c.291C>G, p.Cys97Trp (NM_001083603.3); c.-160C>G (NM_001083604.3, NM_001083605.3, NM_001083606.3 and 1 more transcripts); c.294C>G, p.Cys98Trp (NM_001354918.2); short protein forms C98W, C97W, C32W.
Identifiers: ClinVar variation 3572023 (VCV003572023.1).
Genomic context (GRCh38, chr9:95,506,507, plus strand): 5'-TGCTTTTAATCCCACCGCGAAGGCCCCAAATATGAGGAGGCCCACAACCAAGAACTTGCC[G>C]CAGTTTTTTTGAATGTAACAACCCAGTTTAAATAAGAGTCTCTGAAACTTCGCTCTCAGC-3'
Protein context (NP_000255.2, residues 88-108): FKLGCYIQKN[Cys98Trp]GKFLVVGLLI